The following is an entry in ClinVar:

NM_001330078.2(NRXN1):c.2631G>A (p.Met877Ile)

Gene: NRXN1 (neurexin 1; minus strand). Cytogenetic location: 2p16.3.
Variant type: single nucleotide variant.
Coding change: c.2631G>A on transcript NM_001330078.2 (MANE Select); coding-DNA position 2631, G replaced by A.
Protein change: p.Met877Ile; replaces methionine 877 with isoleucine.
Molecular consequence: missense variant.
Genome position (GRCh38, 1-based): chr2:50,497,581, C>T on the plus strand (G>A on the coding strand, the complement: NRXN1 is on the minus strand). VCF-style: chr2-50497581-C-T. GRCh37 (hg19) VCF-style: chr2-50724719-C-T.
Other names: c.2751G>A, p.Met917Ile (NM_001135659.3); c.2607G>A, p.Met869Ile (NM_001330077.2, NM_001330082.2); c.2550G>A, p.Met850Ile (NM_001330088.2); c.2628G>A, p.Met876Ile (NM_001330093.2); c.2619G>A, p.Met873Ile (NM_001330094.2); c.2580G>A, p.Met860Ile (NM_001330095.2); c.2520G>A, p.Met840Ile (NM_001330096.2, NM_001330087.2); c.2631G>A, p.Met877Ile (NM_004801.6, NM_001330086.2); and 2 more; short protein forms M840I, M850I, M855I, M860I, M868I, M869I, M873I, M876I.
Identifiers: ClinVar variation 1317080 (VCV001317080.10), dbSNP rs2104920017, ClinGen allele CA346777225.

ClinVar aggregate classification (germline): Uncertain significance. Review status: criteria provided, multiple submitters, no conflicts (2 of 4 stars). 3 submissions from 3 submitters: Uncertain significance (3). Last evaluated 2025-08-15.

Conditions:
Pitt-Hopkins-like syndrome 2 (PTHSL2). Identifiers: Orphanet 221150, Orphanet 600663, MedGen C3280479, MONDO:0013690, OMIM 614325.
Inborn genetic diseases. Identifiers: MedGen C0950123, MeSH D030342.

Submissions (3):

Labcorp Genetics (formerly Invitae), Labcorp
Classification: Uncertain significance for Pitt-Hopkins-like syndrome 2. Last evaluated: 2025-08-15. Review status: criteria provided, single submitter. Criteria: Invitae Variant Classification Sherloc (09022015). Collection method: clinical testing. Allele origin: germline.
Comment: This sequence change replaces methionine, which is neutral and non-polar, with isoleucine, which is neutral and non-polar, at codon 917 of the NRXN1 protein (p.Met917Ile). This variant is not present in population databases (gnomAD no frequency). This variant has not been reported in the literature in individuals affected with NRXN1-related conditions. ClinVar contains an entry for this variant (Variation ID: 1317080). An algorithm developed to predict the effect of missense changes on protein structure and function (PolyPhen-2) suggests that this variant is likely to be tolerated. In summary, the available evidence is currently insufficient to determine the role of this variant in disease. Therefore, it has been classified as a Variant of Uncertain Significance.

Ambry Genetics
Classification: Uncertain significance for Inborn genetic diseases. Last evaluated: 2022-06-29. Review status: criteria provided, single submitter. Criteria: Ambry Variant Classification Scheme 2023. Collection method: clinical testing. Allele origin: germline.

GeneDx
Classification: Uncertain significance. Last evaluated: 2020-10-16. Review status: criteria provided, single submitter. Criteria: GeneDx Variant Classification Process June 2021. Collection method: clinical testing. Allele origin: germline. Affected: yes.
Comment: Not observed in large population cohorts (Lek et al., 2016); In silico analysis supports that this missense variant does not alter protein structure/function; Has not been previously published as pathogenic or benign to our knowledge